The following is an entry in ClinVar:

ClinVar aggregate classification (germline): Uncertain significance (1 of 4 stars; one submission).

Conditions:
Supravalvar aortic stenosis (SVAS). Also called: Supravalvar aortic stenosis, Eisenberg type. Identifiers: Orphanet 3193, MedGen C0003499, MONDO:0008504, OMIM 185500, HP:0004381.

gnomAD v4.1: 1 of 1,614,082 alleles (0.000062%); highest among the groups gnomAD compares: Non-Finnish European, 0.000085%; no homozygotes.

Submission:

Labcorp Genetics (formerly Invitae), Labcorp
Classification: Uncertain significance for Supravalvar aortic stenosis. Last evaluated: 2024-07-24. Review status: criteria provided, single submitter. Criteria: Invitae Variant Classification Sherloc (09022015). Collection method: clinical testing. Allele origin: germline.
Comment: This sequence change falls in intron 2 of the ELN gene. It does not directly change the encoded amino acid sequence of the ELN protein. It affects a nucleotide within the consensus splice site. This variant is not present in population databases (gnomAD no frequency). This variant has not been reported in the literature in individuals affected with ELN-related conditions. Variants that disrupt the consensus splice site are a relatively common cause of aberrant splicing (PMID: 17576681, 9536098). Algorithms developed to predict the effect of sequence changes on RNA splicing suggest that this variant is not likely to affect RNA splicing. In summary, the available evidence is currently insufficient to determine the role of this variant in disease. Therefore, it has been classified as a Variant of Uncertain Significance.

Literature cited by the submitters: PubMed 17576681; PubMed 9536098.

NM_000501.4(ELN):c.133+5C>A

Gene: ELN (elastin; plus strand). Cytogenetic location: 7q11.23.
Variant type: single nucleotide variant.
Coding change: c.133+5C>A on transcript NM_000501.4 (MANE Select); 5 bases into the intron after coding-DNA position 133, C replaced by A.
Molecular consequence: intron variant.
Genome position (GRCh38, 1-based): chr7:74,035,419, C>A. VCF-style: chr7-74035419-C-A. GRCh37 (hg19) VCF-style: chr7-73449749-C-A.
Other names: c.133+5C>A (NM_001081754.3, NM_001081753.3, NM_001278939.2 and 9 more transcripts).
Identifiers: ClinVar variation 3659325 (VCV003659325.2).